The following is an entry in ClinVar:

ClinVar aggregate classification (germline): Uncertain significance (1 of 4 stars; one submission).

Conditions:
Tuberous sclerosis 1 (TSC1). Identifiers: Orphanet 805, MedGen C1854465, MONDO:0008612, OMIM 191100.

Submission:

Labcorp Genetics (formerly Invitae), Labcorp
Classification: Uncertain significance for Tuberous sclerosis 1. Last evaluated: 2026-01-24. Review status: criteria provided, single submitter. Criteria: Invitae Variant Classification Sherloc (09022015). Collection method: clinical testing. Allele origin: germline.
Comment: This sequence change replaces asparagine, which is neutral and polar, with histidine, which is basic and polar, at codon 700 of the TSC1 protein (p.Asn700His). This variant is not present in population databases (gnomAD no frequency). This variant has not been reported in the literature in individuals affected with TSC1-related conditions. Invitae Evidence Modeling of protein sequence and biophysical properties (such as structural, functional, and spatial information, amino acid conservation, physicochemical variation, residue mobility, and thermodynamic stability) indicates that this missense variant is not expected to disrupt TSC1 protein function with a negative predictive value of 95%. In summary, the available evidence is currently insufficient to determine the role of this variant in disease. Therefore, it has been classified as a Variant of Uncertain Significance.

NM_000368.5(TSC1):c.2098A>C (p.Asn700His)

Gene: TSC1 (TSC complex subunit 1; minus strand). Cytogenetic location: 9q34.13.
Variant type: single nucleotide variant.
Coding change: c.2098A>C on transcript NM_000368.5 (MANE Select); coding-DNA position 2098, A replaced by C.
Protein change: p.Asn700His; replaces asparagine 700 with histidine.
Molecular consequence: missense variant. On other transcripts: non-coding transcript variant (4).
Genome position (GRCh38, 1-based): chr9:132,903,761, T>G on the plus strand (A>C on the coding strand, the complement: TSC1 is on the minus strand). VCF-style: chr9-132903761-T-G. GRCh37 (hg19) VCF-style: chr9-135779148-T-G.
Other names: c.1735A>C, p.Asn579His (NM_001406618.1, NM_001406619.1, NM_001406624.1 and 5 more transcripts); c.1732A>C, p.Asn578His (NM_001406620.1, NM_001406621.1, NM_001406622.1 and 2 more transcripts); c.1147A>C, p.Asn383His (NM_001406626.1); c.1144A>C, p.Asn382His (NM_001406627.1, NM_001406628.1); c.2095A>C, p.Asn699His (NM_001406599.1, NM_001406600.1, NM_001406608.1 and 4 more transcripts); c.2083A>C, p.Asn695His (NM_001406601.1, NM_001406602.1); c.2080A>C, p.Asn694His (NM_001406603.1, NM_001406604.1); c.2098A>C, p.Asn700His (NM_001406605.1, NM_001406606.1, NM_001406607.1 and 5 more transcripts); and 3 more; short protein forms N349H, N649H, N700H, N695H, N382H, N579H, N648H, N699H.
Identifiers: ClinVar variation 4709635 (VCV004709635.1).